The following is an entry in ClinVar:

NM_025114.4(CEP290):c.1122T>C (p.Tyr374=)

Gene: CEP290 (centrosomal protein 290; minus strand). Cytogenetic location: 12q21.32.
Variant type: single nucleotide variant.
Coding change: c.1122T>C on transcript NM_025114.4 (MANE Select); coding-DNA position 1122, T replaced by C.
Protein change: p.Tyr374=; no amino-acid change (tyrosine 374 retained).
Molecular consequence: synonymous variant.
Genome position (GRCh38, 1-based): chr12:88,125,313, A>G on the plus strand (T>C on the coding strand, the complement: CEP290 is on the minus strand). VCF-style: chr12-88125313-A-G. GRCh37 (hg19) VCF-style: chr12-88519090-A-G.
Other names: c.1122T>C (NM_025114.3).
Identifiers: ClinVar variation 1108741 (VCV001108741.14), dbSNP rs758472041, ClinGen allele CA241154751.

ClinVar aggregate classification (germline): Likely benign. Review status: criteria provided, single submitter (1 of 4 stars). 2 submissions from 2 submitters: Likely benign (1). 1 of the submissions does not count toward it. Last evaluated 2025-05-30.

Conditions:
CEP290-related disorder. Also called: CEP290-related disorders; CEP290-related condition. Identifiers: MedGen CN239314.
Joubert syndrome. Also called: CEREBELLOPARENCHYMAL DISORDER IV; JOUBERT-BOLTSHAUSER SYNDROME; Familial aplasia of the vermis. Identifiers: Orphanet 475, MedGen C5979921, MONDO:0018772.
Nephronophthisis. Also called: Juvenile Nephronophthisis. Identifiers: Orphanet 655, MedGen C0687120, MONDO:0019005, HP:0000090.
Meckel-Gruber syndrome. Also called: DYSENCEPHALIA SPLANCHNOCYSTICA; GRUBER SYNDROME; Dysencephalia splachnocystica. Identifiers: Orphanet 564, MedGen C0265215, MONDO:0018921.

Allele frequency attached by ClinVar (database versions not stated): TOPMed below 0.00001; gnomAD exomes 0.00002.
gnomAD v4.1: 18 of 1,271,006 alleles (0.0014%); highest among the groups gnomAD compares: Non-Finnish European, 0.0019%; no homozygotes.

Submissions (2):

Labcorp Genetics (formerly Invitae), Labcorp
Classification: Likely benign for Joubert syndrome; Meckel-Gruber syndrome; Nephronophthisis. Last evaluated: 2025-05-30. Review status: criteria provided, single submitter. Criteria: Invitae Variant Classification Sherloc (09022015). Collection method: clinical testing. Allele origin: germline.

PreventionGenetics, part of Exact Sciences
Classification: Likely benign for CEP290-related condition. Last evaluated: 2023-05-03. Review status: no assertion criteria provided. Collection method: clinical testing. Allele origin: germline. Not counted in ClinVar's aggregate classification.
Comment: This variant is classified as likely benign based on ACMG/AMP sequence variant interpretation guidelines (Richards et al. 2015 PMID: 25741868, with internal and published modifications).